The following is an entry in ClinVar:

NM_000038.6(APC):c.1756A>T (p.Lys586Ter)

Gene: APC (APC regulator of Wnt signaling pathway; plus strand). Cytogenetic location: 5q22.2.
Variant type: single nucleotide variant.
Coding change: c.1756A>T on transcript NM_000038.6 (MANE Select); coding-DNA position 1756, A replaced by T.
Protein change: p.Lys586Ter; replaces lysine 586 with a stop codon.
Molecular consequence: nonsense. On other transcripts: non-coding transcript variant (2).
Genome position (GRCh38, 1-based): chr5:112,834,963, A>T. VCF-style: chr5-112834963-A-T. GRCh37 (hg19) VCF-style: chr5-112170660-A-T.
Other names: c.1756A>T, p.Lys586Ter (NM_001127510.3, NM_001354895.2, NM_001407450.1); c.1702A>T, p.Lys568Ter (NM_001127511.3); c.1810A>T, p.Lys604Ter (NM_001354896.2, NM_001407447.1, NM_001407448.1 and 1 more transcripts); c.1786A>T, p.Lys596Ter (NM_001354897.2); c.1681A>T, p.Lys561Ter (NM_001354898.2); c.1672A>T, p.Lys558Ter (NM_001354899.2); c.1633A>T, p.Lys545Ter (NM_001354900.2); c.1579A>T, p.Lys527Ter (NM_001354901.2, NM_001407453.1); and 11 more; short protein forms K303*, K460*, K576*, K596*, K457*, K527*, K558*, K568*.
Identifiers: ClinVar variation 3720639 (VCV003720639.2).

ClinVar aggregate classification (germline): Pathogenic (1 of 4 stars; one submission).

Conditions:
Familial adenomatous polyposis 1 (FAP1). Also called: FAMILIAL ADENOMATOUS POLYPOSIS 1, ATTENUATED; POLYPOSIS, ADENOMATOUS INTESTINAL. Identifiers: MedGen C2713442, MONDO:0021056, OMIM 175100. Disease mechanism: loss of function.

Submission:

Labcorp Genetics (formerly Invitae), Labcorp
Classification: Pathogenic for Familial adenomatous polyposis 1. Last evaluated: 2024-02-08. Review status: criteria provided, single submitter. Criteria: Invitae Variant Classification Sherloc (09022015). Collection method: clinical testing. Allele origin: germline.
Comment: This sequence change creates a premature translational stop signal (p.Lys586*) in the APC gene. It is expected to result in an absent or disrupted protein product. Loss-of-function variants in APC are known to be pathogenic (PMID: 17963004, 20685668). This variant is not present in population databases (gnomAD no frequency). This premature translational stop signal has been observed in individual(s) with familial adenomatous polyposis (PMID: 1338764). For these reasons, this variant has been classified as Pathogenic.

Literature cited by the submitters: PubMed 17963004; PubMed 20685668; PubMed 1338764.